The following is an entry in ClinVar:

ClinVar aggregate classification (germline): Uncertain significance. Review status: reviewed by expert panel (3 of 4 stars). 6 submissions from 6 submitters: Uncertain significance (1). 5 of the submissions do not count toward it. Last evaluated 2020-03-09.

Conditions:
Cardiovascular phenotype. Identifiers: MedGen CN230736.
RASopathy. Also called: rasopathies; Noonan spectrum disorder. Identifiers: Orphanet 536391, MedGen C5555857, MONDO:0021060.

gnomAD v4.1: 11 of 1,613,746 alleles (0.00068%); highest among the groups gnomAD compares: South Asian, 0.0033%; no homozygotes.

Submissions (6):

ClinGen RASopathy Variant Curation Expert Panel
Classification: Uncertain significance for RASopathy. Last evaluated: 2020-03-09. Review status: reviewed by expert panel. Criteria: ClinGen RASopathy ACMG Specifications v1. Collection method: curation. Allele origin: germline. Inheritance: Autosomal dominant inheritance.
Comment: The c.1666G>A (p.Val556Ile) variant in SOS1 was present in 0.005437% (1/18392) of East Asian alleles in gnomAD v2.1.1 and was absent from v3. This variant has been observed in multiple probands who lacked consistent RASopathy phenotypes; however, many probands presented with cardiomyopathy (PMID: 31219622; GeneDx internal data, SCV000808076.1; Invitae internal data; BC Childrenâ€™s Hospital internal data). The variant is located in the SOS1 gene, which has been defined by the ClinGen RASopathy Expert Panel as a gene with a low rate of benign missense variants and pathogenic variants are common (PP2; PMID: 29493581). Computational prediction tools and conservation analyses do not provide strong support for or against an impact to the protein. In summary, the clinical significance of this variant is uncertain. RASopathy-specific ACMG/AMP criteria applied: PP2.

GeneDx
Classification: Uncertain significance. Last evaluated: 2025-12-23. Review status: criteria provided, single submitter. Criteria: GeneDx Variant Classification Process June 2021. Collection method: clinical testing. Allele origin: germline. Affected: yes. Not counted in ClinVar's aggregate classification.
Comment: Missense variants in this gene are a common cause of disease and they are underrepresented in the general population; In silico analysis suggests that this missense variant does not alter protein structure/function; This variant is associated with the following publications: (PMID: 29493581, 31219622)

Labcorp Genetics (formerly Invitae), Labcorp
Classification: Uncertain significance for RASopathy. Last evaluated: 2025-10-01. Review status: criteria provided, single submitter. Criteria: Invitae Variant Classification Sherloc (09022015). Collection method: clinical testing. Allele origin: germline. Not counted in ClinVar's aggregate classification.
Comment: This sequence change replaces valine, which is neutral and non-polar, with isoleucine, which is neutral and non-polar, at codon 556 of the SOS1 protein (p.Val556Ile). This variant is present in population databases (no rsID available, gnomAD 0.006%). This missense change has been observed in individual(s) with Noonan syndrome (PMID: 31219622). In at least one individual the variant was observed to be de novo. ClinVar contains an entry for this variant (Variation ID: 561347). Invitae Evidence Modeling of protein sequence and biophysical properties (such as structural, functional, and spatial information, amino acid conservation, physicochemical variation, residue mobility, and thermodynamic stability) indicates that this missense variant is not expected to disrupt SOS1 protein function with a negative predictive value of 95%. In summary, the available evidence is currently insufficient to determine the role of this variant in disease. Therefore, it has been classified as a Variant of Uncertain Significance.

Revvity Omics, Revvity
Classification: Uncertain significance. Last evaluated: 2024-03-29. Review status: criteria provided, single submitter. Criteria: ACMG Guidelines, 2015. Collection method: clinical testing. Allele origin: germline. Not counted in ClinVar's aggregate classification.

Ambry Genetics
Classification: Uncertain significance for Cardiovascular phenotype. Last evaluated: 2023-05-02. Review status: criteria provided, single submitter. Criteria: Ambry Variant Classification Scheme 2023. Collection method: clinical testing. Allele origin: germline. Not counted in ClinVar's aggregate classification.
Comment: The p.V556I variant (also known as c.1666G>A), located in coding exon 10 of the SOS1 gene, results from a G to A substitution at nucleotide position 1666. The valine at codon 556 is replaced by isoleucine, an amino acid with highly similar properties. This variant has been detected and reported as de novo in an individual from a cohort of patients with features of Noonan syndrome; however, details were limited (Li X et al. Clin Genet, 2019 Oct;96:290-299). This amino acid position is not well conserved in available vertebrate species. In addition, this alteration is predicted to be tolerated by in silico analysis. Since supporting evidence is limited at this time, the clinical significance of this alteration remains unclear.

Blueprint Genetics
Classification: Uncertain significance. Last evaluated: 2021-11-04. Review status: criteria provided, single submitter. Criteria: ACMG Guidelines, 2015. Collection method: clinical testing. Allele origin: germline. Not counted in ClinVar's aggregate classification.

Literature cited by the submitters: PubMed 31219622 (cited by Labcorp Genetics (formerly Invitae), Labcorp and Ambry Genetics).

NM_005633.4(SOS1):c.1666G>A (p.Val556Ile)

Gene: SOS1 (SOS Ras/Rac guanine nucleotide exchange factor 1; minus strand). Cytogenetic location: 2p22.1.
Variant type: single nucleotide variant.
Coding change: c.1666G>A on transcript NM_005633.4 (MANE Select); coding-DNA position 1666, G replaced by A.
Protein change: p.Val556Ile; replaces valine 556 with isoleucine.
Molecular consequence: missense variant.
Genome position (GRCh38, 1-based): chr2:39,022,762, C>T on the plus strand (G>A on the coding strand, the complement: SOS1 is on the minus strand). VCF-style: chr2-39022762-C-T. GRCh37 (hg19) VCF-style: chr2-39249903-C-T.
Other names: c.1645G>A, p.Val549Ile (NM_001382394.1); c.1666G>A, p.Val556Ile (NM_001382395.1); c.1666G>A (NM_005633.3); short protein forms V556I, V549I.
Identifiers: ClinVar variation 561347 (VCV000561347.13), dbSNP rs753909912, ClinGen allele CA346365661.